The following is an entry in ClinVar:

NM_016222.4(DDX41):c.712C>T (p.Pro238Ser)

Gene: DDX41 (DEAD-box helicase 41; minus strand). Cytogenetic location: 5q35.3.
Variant type: single nucleotide variant.
Coding change: c.712C>T on transcript NM_016222.4 (MANE Select); coding-DNA position 712, C replaced by T.
Protein change: p.Pro238Ser; replaces proline 238 with serine.
Molecular consequence: missense variant.
Genome position (GRCh38, 1-based): chr5:177,515,002, G>A on the plus strand (C>T on the coding strand, the complement: DDX41 is on the minus strand). VCF-style: chr5-177515002-G-A. GRCh37 (hg19) VCF-style: chr5-176942003-G-A.
Other names: c.712C>T (NM_016222.2); c.334C>T, p.Pro112Ser (NM_001321732.2, NM_001321830.2); short protein forms P112S, P238S.
Identifiers: ClinVar variation 2674791 (VCV002674791.2), dbSNP rs376093707, ClinGen allele CA3585047.

ClinVar aggregate classification (germline): Uncertain significance. Review status: criteria provided, multiple submitters, no conflicts (2 of 4 stars). 2 submissions from 2 submitters: Uncertain significance (2). Last evaluated 2025-08-20.

Conditions:
Inborn genetic diseases. Identifiers: MedGen C0950123, MeSH D030342.
DDX41-related hematologic malignancy predisposition syndrome. Also called: Myeloproliferative/lymphoproliferative neoplasms, familial (multiple types), susceptibility to; DDX41-Associated Familial Myelodysplastic Syndrome and Acute Myeloid Leukemia. Identifiers: Orphanet 488647, MedGen C4225174, MONDO:0014809, OMIM 616871.

Allele frequency attached by ClinVar (database versions not stated): TOPMed 0.00001; ESP Exome Variant Server 0.00008; gnomAD 0.00002.
gnomAD v4.1: 5 of 1,613,732 alleles (0.00031%); highest among the groups gnomAD compares: African/African-American, 0.004%; no homozygotes.

Submissions (2):

Ambry Genetics
Classification: Uncertain significance for Inborn genetic diseases. Last evaluated: 2025-08-20. Review status: criteria provided, single submitter. Criteria: Ambry Variant Classification Scheme 2023. Collection method: clinical testing. Allele origin: germline.
Comment: The p.P238S variant (also known as c.712C>T), located in coding exon 8 of the DDX41 gene, results from a C to T substitution at nucleotide position 712. The proline at codon 238 is replaced by serine, an amino acid with similar properties. This amino acid position is highly conserved in available vertebrate species. In addition, this alteration is predicted to be deleterious by in silico analysis. Based on the available evidence, the clinical significance of this variant remains unclear.

Baylor Genetics
Classification: Uncertain significance for DDX41-related hematologic malignancy predisposition syndrome. Last evaluated: 2023-05-01. Review status: criteria provided, single submitter. Criteria: ACMG Guidelines, 2015. Collection method: clinical testing. Allele origin: unknown.